The following is an entry in ClinVar:

ClinVar aggregate classification (germline): Uncertain significance. Review status: criteria provided, multiple submitters, no conflicts (2 of 4 stars). 2 submissions from 2 submitters: Uncertain significance (2). Last evaluated 2025-07-21.

Conditions:
Hereditary cancer-predisposing syndrome. Also called: Neoplastic Syndromes, Hereditary; Tumor predisposition; Hereditary Cancer Syndrome; Hereditary neoplastic syndrome. Identifiers: Orphanet 140162, MedGen C0027672, MeSH D009386, MONDO:0015356.
Familial cancer of breast. Also called: Hereditary breast cancer; BREAST CANCER, FAMILIAL; hereditary breast carcinoma. Identifiers: Orphanet 227535, MedGen C0346153, MONDO:0016419, OMIM 114480. Disease mechanism: loss of function.

Submissions (2):

Labcorp Genetics (formerly Invitae), Labcorp
Classification: Uncertain significance for Familial cancer of breast. Last evaluated: 2025-07-21. Review status: criteria provided, single submitter. Criteria: Invitae Variant Classification Sherloc (09022015). Collection method: clinical testing. Allele origin: germline.
Comment: This sequence change replaces phenylalanine, which is neutral and non-polar, with leucine, which is neutral and non-polar, at codon 242 of the PALB2 protein (p.Phe242Leu). This variant is not present in population databases (gnomAD no frequency). This variant has not been reported in the literature in individuals affected with PALB2-related conditions. ClinVar contains an entry for this variant (Variation ID: 1757919). An algorithm developed to predict the effect of missense changes on protein structure and function outputs the following: PolyPhen-2: "Benign". The leucine amino acid residue is found in multiple mammalian species, which suggests that this missense change does not adversely affect protein function. In summary, the available evidence is currently insufficient to determine the role of this variant in disease. Therefore, it has been classified as a Variant of Uncertain Significance.

Ambry Genetics
Classification: Uncertain significance for Hereditary cancer-predisposing syndrome. Last evaluated: 2022-07-27. Review status: criteria provided, single submitter. Criteria: Ambry Variant Classification Scheme 2023. Collection method: clinical testing. Allele origin: germline.
Comment: The p.F242L variant (also known as c.724T>C), located in coding exon 4 of the PALB2 gene, results from a T to C substitution at nucleotide position 724. The phenylalanine at codon 242 is replaced by leucine, an amino acid with highly similar properties. This amino acid position is conserved. In addition, this alteration is predicted to be tolerated by in silico analysis. Since supporting evidence is limited at this time, the clinical significance of this alteration remains unclear.

NM_024675.4(PALB2):c.724T>C (p.Phe242Leu)

Gene: PALB2 (partner and localizer of BRCA2; minus strand). Cytogenetic location: 16p12.2.
Variant type: single nucleotide variant.
Coding change: c.724T>C on transcript NM_024675.4 (MANE Select); coding-DNA position 724, T replaced by C.
Protein change: p.Phe242Leu; replaces phenylalanine 242 with leucine.
Molecular consequence: missense variant.
Genome position (GRCh38, 1-based): chr16:23,635,822, A>G on the plus strand (T>C on the coding strand, the complement: PALB2 is on the minus strand). VCF-style: chr16-23635822-A-G. GRCh37 (hg19) VCF-style: chr16-23647143-A-G.
Other names: c.664T>C, p.Phe222Leu (NM_001407296.1); c.724T>C, p.Phe242Leu (NM_001407297.1, NM_001407298.1, NM_001407299.1 and 3 more transcripts); c.-162T>C (NM_001407304.1, NM_001407305.1, NM_001407306.1 and 5 more transcripts); short protein forms F242L, F222L.
Identifiers: ClinVar variation 1757919 (VCV001757919.3), dbSNP rs1555461663, ClinGen allele CA395136287.